The following is an entry in ClinVar:

NM_004656.4(BAP1):c.592G>T (p.Glu198Ter)

Gene: BAP1 (BRCA1 associated deubiquitinase 1; minus strand). Cytogenetic location: 3p21.1.
Variant type: single nucleotide variant.
Coding change: c.592G>T on transcript NM_004656.4 (MANE Select); coding-DNA position 592, G replaced by T.
Protein change: p.Glu198Ter; replaces glutamic acid 198 with a stop codon.
Molecular consequence: nonsense.
Genome position (GRCh38, 1-based): chr3:52,406,896, C>A on the plus strand (G>T on the coding strand, the complement: BAP1 is on the minus strand). VCF-style: chr3-52406896-C-A. GRCh37 (hg19) VCF-style: chr3-52440912-C-A.
Other names: short protein forms E198*.
Identifiers: ClinVar variation 539909 (VCV000539909.11), dbSNP rs1553645720, ClinGen allele CA353109170.
Genomic context (GRCh38, chr3:52,406,896, plus strand): 5'-TGGCGAGGCCGATACGCTCCATGATGACCCGCCGGGCCTTGTCTGTCCACTCCTCGTCCT[C>A]CCCCCAGGGCCCTAGTGGAGACCAAGACAAGGAATCAGCGAGAAGGAAACCCTGAGTTTG-3'

ClinVar aggregate classification (germline): Pathogenic. Review status: criteria provided, multiple submitters, no conflicts (2 of 4 stars). 3 submissions from 3 submitters: Pathogenic (3). Last evaluated 2024-11-22.

Conditions:
Hereditary cancer-predisposing syndrome. Also called: Neoplastic Syndromes, Hereditary; Hereditary Cancer Syndrome; Hereditary neoplastic syndrome; Tumor predisposition. Identifiers: Orphanet 140162, MedGen C0027672, MeSH D009386, MONDO:0015356.
BAP1-related tumor predisposition syndrome (TPDS1). Also called: COMMON Syndrome; TUMOR PREDISPOSITION SYNDROME 1; BAP1 tumor predisposition syndrome; Tumor susceptibility linked to germline BAP1 mutations. Identifiers: Orphanet 289539, MedGen C3280492, MONDO:0013692, OMIM 614327.

Submissions (3):

Ambry Genetics
Classification: Pathogenic for Hereditary cancer-predisposing syndrome. Last evaluated: 2024-11-22. Review status: criteria provided, single submitter. Criteria: Ambry Variant Classification Scheme 2023. Collection method: clinical testing. Allele origin: germline.
Comment: The p.E198* pathogenic mutation (also known as c.592G>T), located in coding exon 8 of the BAP1 gene, results from a G to T substitution at nucleotide position 592. This changes the amino acid from a glutamic acid to a stop codon within coding exon 8. This alteration was seen in an individual diagnosed with multiple cutaneous melanomas and dysplastic nevi and a family history of lung adenocarcinoma in a first-degree relative (Gerami P et al. JAMA Dermatol, 2015 Nov;151:1235-9). In addition to the clinical data presented in the literature, this alteration is expected to result in loss of function by premature protein truncation or nonsense-mediated mRNA decay. As such, this alteration is interpreted as a disease-causing mutation.

Labcorp Genetics (formerly Invitae), Labcorp
Classification: Pathogenic for BAP1-related tumor predisposition syndrome. Last evaluated: 2024-08-28. Review status: criteria provided, single submitter. Criteria: Invitae Variant Classification Sherloc (09022015). Collection method: clinical testing. Allele origin: germline.
Comment: This sequence change creates a premature translational stop signal (p.Glu198*) in the BAP1 gene. It is expected to result in an absent or disrupted protein product. Loss-of-function variants in BAP1 are known to be pathogenic (PMID: 21874000, 23684012). This variant is not present in population databases (gnomAD no frequency). This premature translational stop signal has been observed in individual(s) with BAP1-related conditions (PMID: 26154183). ClinVar contains an entry for this variant (Variation ID: 539909). For these reasons, this variant has been classified as Pathogenic.

Myriad Genetics, Inc.
Classification: Pathogenic for BAP1-related tumor predisposition syndrome. Last evaluated: 2023-07-21. Review status: criteria provided, single submitter. Criteria: Myriad Autosomal Dominant, Autosomal Recessive and X-Linked Classification Criteria (2023). Collection method: clinical testing. Allele origin: unknown.
Comment: This variant is considered pathogenic. This variant creates a termination codon and is predicted to result in premature protein truncation.

Literature cited by the submitters: PubMed 26154183 (cited by Ambry Genetics and Labcorp Genetics (formerly Invitae), Labcorp); PubMed 21874000 (cited by Labcorp Genetics (formerly Invitae), Labcorp); PubMed 23684012 (cited by Labcorp Genetics (formerly Invitae), Labcorp).